The following is an entry in ClinVar:

NM_004656.4(BAP1):c.1445C>T (p.Ser482Leu)

Gene: BAP1 (BRCA1 associated deubiquitinase 1; minus strand). Cytogenetic location: 3p21.1.
Variant type: single nucleotide variant.
Coding change: c.1445C>T on transcript NM_004656.4 (MANE Select); coding-DNA position 1445, C replaced by T.
Protein change: p.Ser482Leu; replaces serine 482 with leucine.
Molecular consequence: missense variant.
Genome position (GRCh38, 1-based): chr3:52,403,700, G>A on the plus strand (C>T on the coding strand, the complement: BAP1 is on the minus strand). VCF-style: chr3-52403700-G-A. GRCh37 (hg19) VCF-style: chr3-52437716-G-A.
Other names: c.1445C>T (LRG_529t1); short protein forms S482L.
Identifiers: ClinVar variation 485301 (VCV000485301.16), dbSNP rs753329341, ClinGen allele CA2436799.

ClinVar aggregate classification (germline): Conflicting classifications of pathogenicity. Review status: criteria provided, conflicting classifications (1 of 4 stars). 5 submissions from 5 submitters: Uncertain significance (4); Likely benign (1). Last evaluated 2025-04-24.

Conditions:
BAP1-related tumor predisposition syndrome (TPDS1). Also called: Tumor susceptibility linked to germline BAP1 mutations; BAP1 tumor predisposition syndrome; COMMON Syndrome; TUMOR PREDISPOSITION SYNDROME 1. Identifiers: Orphanet 289539, MedGen C3280492, MONDO:0013692, OMIM 614327.
Hereditary cancer-predisposing syndrome. Also called: Neoplastic Syndromes, Hereditary; Tumor predisposition; Hereditary Cancer Syndrome; Hereditary neoplastic syndrome. Identifiers: Orphanet 140162, MedGen C0027672, MeSH D009386, MONDO:0015356.

Allele frequency attached by ClinVar (database versions not stated): gnomAD exomes below 0.00001; TOPMed below 0.00001; ExAC 0.00001.
gnomAD v4.1: 7 of 1,614,024 alleles (0.00043%); highest among the groups gnomAD compares: Non-Finnish European, 0.00059%; no homozygotes.

Submissions (5):

Ambry Genetics
Classification: Likely benign for Hereditary cancer-predisposing syndrome. Last evaluated: 2025-04-24. Review status: criteria provided, single submitter. Criteria: Ambry Variant Classification Scheme 2023. Collection method: clinical testing. Allele origin: germline.

Color Diagnostics, LLC DBA Color Health
Classification: Uncertain significance for Hereditary cancer-predisposing syndrome. Last evaluated: 2025-01-14. Review status: criteria provided, single submitter. Criteria: ACMG Guidelines, 2015. Collection method: clinical testing. Allele origin: germline.
Comment: This missense variant replaces serine with leucine at codon 482 of the BAP1 protein. Computational prediction suggests that this variant may not impact protein structure and function. To our knowledge, functional studies have not been reported for this variant. This variant has been reported in an individual affected with uveal melanoma (PMID: 25974357). This variant has been identified in 1/251142 chromosomes in the general population by the Genome Aggregation Database (gnomAD). The available evidence is insufficient to determine the role of this variant in disease conclusively. Therefore, this variant is classified as a Variant of Uncertain Significance.

Labcorp Genetics (formerly Invitae), Labcorp
Classification: Uncertain significance for BAP1-related tumor predisposition syndrome. Last evaluated: 2024-10-23. Review status: criteria provided, single submitter. Criteria: Invitae Variant Classification Sherloc (09022015). Collection method: clinical testing. Allele origin: germline.
Comment: This sequence change replaces serine, which is neutral and polar, with leucine, which is neutral and non-polar, at codon 482 of the BAP1 protein (p.Ser482Leu). This variant is present in population databases (rs753329341, gnomAD 0.0009%). This missense change has been observed in individual(s) with uveal melanoma (PMID: 25974357). ClinVar contains an entry for this variant (Variation ID: 485301). Invitae Evidence Modeling of protein sequence and biophysical properties (such as structural, functional, and spatial information, amino acid conservation, physicochemical variation, residue mobility, and thermodynamic stability) indicates that this missense variant is not expected to disrupt BAP1 protein function with a negative predictive value of 80%. In summary, the available evidence is currently insufficient to determine the role of this variant in disease. Therefore, it has been classified as a Variant of Uncertain Significance.

Baylor Genetics
Classification: Uncertain significance for BAP1-related tumor predisposition syndrome. Last evaluated: 2024-01-30. Review status: criteria provided, single submitter. Criteria: ACMG Guidelines, 2015. Collection method: clinical testing. Allele origin: unknown.

Revvity Omics, Revvity
Classification: Uncertain significance. Last evaluated: 2023-03-28. Review status: criteria provided, single submitter. Criteria: ACMG Guidelines, 2015. Collection method: clinical testing. Allele origin: germline.

Literature cited by the submitters: PubMed 25974357 (cited by 3 submitters); PubMed 38969833 (cited by Ambry Genetics).